The following is an entry in ClinVar:

NM_001166686.2(PFKM):c.206-4289C>T

Gene: PFKM (phosphofructokinase, muscle; plus strand). Cytogenetic location: 12q13.11.
Variant type: single nucleotide variant.
Coding change: c.206-4289C>T on transcript NM_001166686.2; 4289 bases into the intron before coding-DNA position 206, C replaced by T.
Molecular consequence: intron variant.
Genome position (GRCh38, 1-based): chr12:48,118,478, C>T. VCF-style: chr12-48118478-C-T. GRCh37 (hg19) VCF-style: chr12-48512261-C-T.
Other names: c.-80-4C>T (NM_001354741.2); c.-8-4289C>T (NM_001354742.2, NM_001354743.2); c.-84-4289C>T (NM_001354747.2); c.206-4289C>T (NM_001439058.1, NM_001354737.1, NM_001354739.1 and 1 more transcripts); c.206-4C>T (NM_001354736.1, NM_001354735.1).
Identifiers: ClinVar variation 2578680 (VCV002578680.23), dbSNP rs981253149, ClinGen allele CA236522551.

ClinVar aggregate classification (germline): Likely benign (1 of 4 stars; one submission).

Allele frequency attached by ClinVar (database versions not stated): gnomAD exomes 0.00003; TOPMed 0.00008; gnomAD 0.00006.
gnomAD v4.1: 54 of 1,434,198 alleles (0.0038%); highest among the groups gnomAD compares: Middle Eastern, 0.034%; no homozygotes.

Submission:

CeGaT Center for Human Genetics Tuebingen
Classification: Likely benign. Last evaluated: 2023-07-01. Review status: criteria provided, single submitter. Criteria: CeGaT Center For Human Genetics Tuebingen Variant Classification Criteria Version 2. Collection method: clinical testing. Allele origin: germline. Affected: yes. Observed: 2 variant alleles.
Comment: PFKM: PM2:Supporting, BP4, BP7